The following is an entry in ClinVar:

ClinVar aggregate classification (germline): Pathogenic/Likely pathogenic. Review status: criteria provided, multiple submitters, no conflicts (2 of 4 stars). 2 submissions from 2 submitters: Pathogenic (1); Likely pathogenic (1). Last evaluated 2025-10-01.

Conditions:
Bardet-Biedl syndrome (BBS). Identifiers: Orphanet 110, MedGen C0752166, MONDO:0015229.
Bardet-Biedl syndrome 12 (BBS12). Identifiers: Orphanet 110, MedGen C1859570, MONDO:0014440, OMIM 615989.

Submissions (2):

Labcorp Genetics (formerly Invitae), Labcorp
Classification: Pathogenic for Bardet-Biedl syndrome. Last evaluated: 2025-10-01. Review status: criteria provided, single submitter. Criteria: Invitae Variant Classification Sherloc (09022015). Collection method: clinical testing. Allele origin: germline.
Comment: This sequence change creates a premature translational stop signal (p.Tyr640*) in the BBS12 gene. While this is not anticipated to result in nonsense mediated decay, it is expected to disrupt the last 71 amino acid(s) of the BBS12 protein. This variant is not present in population databases (gnomAD no frequency). This variant has not been reported in the literature in individuals affected with BBS12-related conditions. This variant disrupts a region of the BBS12 protein in which other variant(s) (p.Ser701*) have been determined to be pathogenic (PMID: 20648243). This suggests that this is a clinically significant region of the protein, and that variants that disrupt it are likely to be disease-causing. For these reasons, this variant has been classified as Pathogenic.

Natera, Inc.
Classification: Likely pathogenic for Bardet-Biedl syndrome type 12. Last evaluated: 2025-06-13. Review status: criteria provided, single submitter. Criteria: Natera Variant Classification Schema (03/2026). Collection method: clinical testing. Allele origin: germline.
Comment: The c.1920_1921del variant in BBS12 is a frameshift variant predicted to shift the reading frame and introduce a stop codon. This variant is expected to result in nonsense mediated decay, truncation, or a dysfunctional protein product. This variant is rare in the general population with a frequency below the threshold expected for the associated phenotype(s). Given the available evidence, this variant is classified as Likely Pathogenic.

Literature cited by the submitters: PubMed 20648243 (cited by Labcorp Genetics (formerly Invitae), Labcorp).

NM_152618.3(BBS12):c.1920_1921del (p.Tyr640_Ser641delinsTer)

Gene: BBS12 (Bardet-Biedl syndrome 12; plus strand). Cytogenetic location: 4q27.
Variant type: Microsatellite.
Coding change: c.1920_1921del on transcript NM_152618.3 (MANE Select); coding-DNA positions 1920 to 1921, 2 bases deleted (TA; older notation c.1920_1921delTA).
Protein change: p.Tyr640_Ser641delinsTer.
Molecular consequence: nonsense.
Genome position (GRCh38, 1-based): chr4:122,743,812-122,743,813, TA deleted; deleting any 2 consecutive bases within chr4:122,743,809-122,743,813 gives the same sequence; the c. name uses the placement nearest the transcript's 3' end. VCF-style (leftmost placement, unchanged base first): chr4-122743808-AAT-A. GRCh37 (hg19) VCF-style: chr4-123664963-AAT-A.
Other names: c.1920_1921del (NM_152618.2); c.1920_1921del, p.Tyr640_Ser641delinsTer (NM_001178007.2).
Identifiers: ClinVar variation 2996221 (VCV002996221.4), dbSNP rs2485078438, ClinGen allele CA2740091567.